The following is an entry in ClinVar:

ClinVar aggregate classification (germline): Uncertain significance (1 of 4 stars; one submission).

gnomAD v4.1: 1 of 1,613,962 alleles (0.000062%); highest among the groups gnomAD compares: Middle Eastern, 0.016%; no homozygotes.

Submission:

Ambry Genetics
Classification: Uncertain significance. Last evaluated: 2026-04-22. Review status: criteria provided, single submitter. Criteria: Ambry Variant Classification Scheme 2023. Collection method: clinical testing. Allele origin: germline.
Comment: The p.D1657E variant (also known as c.4971C>G), located in coding exon 21 of the WNK2 gene, results from a C to G substitution at nucleotide position 4971. The aspartic acid at codon 1657 is replaced by glutamic acid, an amino acid with highly similar properties. This amino acid position is conserved. In addition, this alteration is predicted to be tolerated by in silico analysis. Based on the available evidence, the clinical significance of this variant remains unclear.

NM_006648.4(WNK2):c.4971C>G (p.Asp1657Glu)

Gene: WNK2 (WNK lysine deficient protein kinase 2; plus strand). Cytogenetic location: 9q22.31.
Variant type: single nucleotide variant.
Coding change: c.4971C>G on transcript NM_006648.4 (MANE Select); coding-DNA position 4971, C replaced by G.
Protein change: p.Asp1657Glu; replaces aspartic acid 1657 with glutamic acid.
Molecular consequence: missense variant.
Genome position (GRCh38, 1-based): chr9:93,292,342, C>G. VCF-style: chr9-93292342-C-G. GRCh37 (hg19) VCF-style: chr9-96054624-C-G.
Other names: c.5082C>G, p.Asp1694Glu (NM_001282394.3); short protein forms D1657E, D1694E.
Identifiers: ClinVar variation 4866619 (VCV004866619.1).
Genomic context (GRCh38, chr9:93,292,342, plus strand): 5'-CAGTAACGTTTCTGATGTTCCCATAGCAGAGTCGTCTCCCAGGAGTATGCTAGGCTATGA[C>G]AGAGATGGAAGGCAGGTGGCCTCAGACTCCCATGTGGTCCCCAGCGTCCCCCAGGTAAGG-3'
Protein context (NP_006639.3, residues 1647-1667): ESSPRSMLGY[Asp1657Glu]RDGRQVASDS